The following is an entry in ClinVar:

ClinVar aggregate classification (germline): Likely pathogenic. Review status: criteria provided, multiple submitters, no conflicts (2 of 4 stars). 3 submissions from 3 submitters: Likely pathogenic (3). Last evaluated 2025-06-30.

Conditions:
GNE myopathy (NM). Also called: IBM 2; Inclusion body myopathy autosomal recessive; MYOPATHY, DISTAL, WITH OR WITHOUT RIMMED VACUOLES; INCLUSION BODY MYOPATHY, HEREDITARY, AUTOSOMAL RECESSIVE; INCLUSION BODY MYOPATHY 2, AUTOSOMAL RECESSIVE; Inclusion body myopathy quadriceps sparing. Identifiers: Orphanet 602, MedGen C1853926, MONDO:0011603, OMIM 605820.

Submissions (3):

Myriad Genetics, Inc.
Classification: Likely pathogenic for GNE myopathy. Last evaluated: 2025-06-30. Review status: criteria provided, single submitter. Criteria: Myriad Autosomal Dominant, Autosomal Recessive and X-Linked Classification Criteria (2023). Collection method: clinical testing. Allele origin: unknown.
Comment: NM_001128227.2(GNE):c.971A>G(H324R) is a missense variant classified as likely pathogenic in the context of GNE myopathy. H324R has been observed in cases with relevant disease (PMID: 23287327, 38691167, Subramanian_2016_(Abstract)). Relevant functional assessments of this variant are not available in the literature. H324R has not been observed in referenced population frequency databases. In summary, NM_001128227.2(GNE):c.971A>G(H324R) is a missense variant that has been observed more frequently in cases with the relevant disease than in healthy populations. Please note: this variant was assessed in the context of healthy population screening.

Revvity Omics, Revvity
Classification: Likely pathogenic. Last evaluated: 2024-07-26. Review status: criteria provided, single submitter. Criteria: ACMG Guidelines, 2015. Collection method: clinical testing. Allele origin: germline.

Neuberg Centre For Genomic Medicine, NCGM
Classification: Likely pathogenic for GNE myopathy. Review status: criteria provided, single submitter. Criteria: ACMG Guidelines, 2015. Collection method: clinical testing. Allele origin: germline. Inheritance: Autosomal recessive inheritance. Affected: yes.
Comment: The missense variant p.H324R in GNE (NM_001128227.3) has been previously reported in individuals affected with GNE Myopathy (Bhattacharya s et al, 2018). The p.H324R variant is novel (not in any individuals) in gnomAD Exomes and is novel (not in any individuals) in 1000 Genomes. .The p.H324R missense variant is predicted to be damaging by both SIFT and PolyPhen2. The histidine residue at codon 324 of GNE is conserved in all mammalian species. The nucleotide c.971 in GNE is predicted conserved by GERP++ and PhyloP across 100 vertebrates. For these reasons, this variant has been classified as Likely Pathogenic.

NM_005476.7(GNE):c.878A>G (p.His293Arg)

Gene: GNE (glucosamine (UDP-N-acetyl)-2-epimerase/N-acetylmannosamine kinase; minus strand). Cytogenetic location: 9p13.3.
Variant type: single nucleotide variant.
Coding change: c.878A>G on transcript NM_005476.7 (MANE Select); coding-DNA position 878, A replaced by G.
Protein change: p.His293Arg; replaces histidine 293 with arginine.
Molecular consequence: missense variant.
Genome position (GRCh38, 1-based): chr9:36,234,024, T>C on the plus strand (A>G on the coding strand, the complement: GNE is on the minus strand). VCF-style: chr9-36234024-T-C. GRCh37 (hg19) VCF-style: chr9-36234021-T-C.
Other names: c.971A>G, p.His324Arg (NM_001128227.3); c.878A>G, p.His293Arg (NM_001190383.3); c.548A>G, p.His183Arg (NM_001190384.3); c.701A>G, p.His234Arg (NM_001190388.2, NM_001374798.1); c.725A>G, p.His242Arg (NM_001374797.1); short protein forms H183R, H324R, H242R, H234R, H293R.
Identifiers: ClinVar variation 2585319 (VCV002585319.2), dbSNP rs2489716585, ClinGen allele CA373430672.